The following is an entry in ClinVar:

NM_002878.4(RAD51D):c.709C>A (p.Leu237Met)

Genes: RAD51L3-RFFL (RAD51L3-RFFL readthrough; minus strand), RAD51D (RAD51 paralog D; minus strand). Cytogenetic location: 17q12.
Variant type: single nucleotide variant.
Coding change: c.709C>A on transcript NM_002878.4 (MANE Select); coding-DNA position 709, C replaced by A.
Protein change: p.Leu237Met; replaces leucine 237 with methionine.
Molecular consequence: missense variant. On other transcripts: non-coding transcript variant (3).
Genome position (GRCh38, 1-based): chr17:35,103,283, G>T on the plus strand (C>A on the coding strand, the complement: RAD51D is on the minus strand). VCF-style: chr17-35103283-G-T. GRCh37 (hg19) VCF-style: chr17-33430302-G-T.
Other names: c.769C>A, p.Leu257Met (NM_001142571.2); c.373C>A, p.Leu125Met (NM_133629.3); short protein forms L237M, L257M, L125M.
Identifiers: ClinVar variation 482191 (VCV000482191.5), dbSNP rs1555567510, ClinGen allele CA399087579.

ClinVar aggregate classification (germline): Uncertain significance (1 of 4 stars; one submission).

Conditions:
Hereditary cancer-predisposing syndrome. Also called: Neoplastic Syndromes, Hereditary; Tumor predisposition; Hereditary Cancer Syndrome; Hereditary neoplastic syndrome. Identifiers: Orphanet 140162, MedGen C0027672, MeSH D009386, MONDO:0015356.

Allele frequency attached by ClinVar (database versions not stated): gnomAD exomes below 0.00001.

Submission:

Ambry Genetics
Classification: Uncertain significance for Hereditary cancer-predisposing syndrome. Last evaluated: 2016-04-29. Review status: criteria provided, single submitter. Criteria: Ambry Variant Classification Scheme 2023. Collection method: clinical testing. Allele origin: germline.
Comment: The p.L237M variant (also known as c.709C>A), located in coding exon 8 of the RAD51D gene, results from a C to A substitution at nucleotide position 709. The leucine at codon 237 is replaced by methionine, an amino acid with highly similar properties. This variant was not reported in population based cohorts in the following databases: Database of Single Nucleotide Polymorphisms (dbSNP), NHLBI Exome Sequencing Project (ESP), and 1000 Genomes Project. In the ESP, this variant was not observed in 6503 samples (13006 alleles) with coverage at this position. To date, this alteration has been detected with an allele frequency of approximately 0.001% (greater than 110000 alleles tested) in our clinical cohort. This amino acid position is highly conserved in available vertebrate species. In addition, the in silico prediction for this alteration is inconclusive. Since supporting evidence is limited at this time, the clinical significance of this alteration remains unclear.